The following is an entry in ClinVar:

NM_021076.4(NEFH):c.2310G>A (p.Ala770=)

Gene: NEFH (neurofilament heavy chain; plus strand). Cytogenetic location: 22q12.2.
Variant type: single nucleotide variant.
Coding change: c.2310G>A on transcript NM_021076.4 (MANE Select); coding-DNA position 2310, G replaced by A.
Protein change: p.Ala770=; no amino-acid change (alanine 770 retained).
Molecular consequence: synonymous variant.
Genome position (GRCh38, 1-based): chr22:29,489,950, G>A. VCF-style: chr22-29489950-G-A. GRCh37 (hg19) VCF-style: chr22-29885939-G-A.
Other names: c.2310G>A (NM_021076.3).
Identifiers: ClinVar variation 1895657 (VCV001895657.8), dbSNP rs757096652, ClinGen allele CA10174400.

ClinVar aggregate classification (germline): Likely benign. Review status: criteria provided, multiple submitters, no conflicts (2 of 4 stars). 3 submissions from 3 submitters: Likely benign (2). 1 of the submissions does not count toward it. Last evaluated 2025-11-18.

Conditions:
NEFH-related disorder. Also called: NEFH-related condition.

Allele frequency attached by ClinVar (database versions not stated): gnomAD 0.00003; TOPMed 0.00004; gnomAD exomes 0.00005; ExAC 0.00007.
gnomAD v4.1: 74 of 1,613,558 alleles (0.0046%); highest among the groups gnomAD compares: Non-Finnish European, 0.0056%; no homozygotes.

Submissions (3):

Labcorp Genetics (formerly Invitae), Labcorp
Classification: Likely benign. Last evaluated: 2025-11-18. Review status: criteria provided, single submitter. Criteria: Invitae Variant Classification Sherloc (09022015). Collection method: clinical testing. Allele origin: germline.

Blueprint Genetics
Classification: Likely benign. Last evaluated: 2024-04-02. Review status: criteria provided, single submitter. Criteria: ACMG Guidelines, 2015. Collection method: clinical testing. Allele origin: germline.

PreventionGenetics, part of Exact Sciences
Classification: Likely benign for NEFH-related condition. Last evaluated: 2023-02-15. Review status: no assertion criteria provided. Collection method: clinical testing. Allele origin: germline. Not counted in ClinVar's aggregate classification.
Comment: This variant is classified as likely benign based on ACMG/AMP sequence variant interpretation guidelines (Richards et al. 2015 PMID: 25741868, with internal and published modifications).